The following is an entry in ClinVar:

NM_130839.5(UBE3A):c.128A>G (p.Asn43Ser)

Genes: SNHG14 (small nucleolar RNA host gene 14; plus strand), UBE3A (ubiquitin protein ligase E3A; minus strand). Cytogenetic location: 15q11.2.
Variant type: single nucleotide variant.
Coding change: c.128A>G on transcript NM_130839.5 (MANE Select); coding-DNA position 128, A replaced by G.
Protein change: p.Asn43Ser; replaces asparagine 43 with serine.
Molecular consequence: missense variant. On other transcripts: 5 prime UTR variant (1), non-coding transcript variant (1).
Genome position (GRCh38, 1-based): chr15:25,375,698, T>C on the plus strand (A>G on the coding strand, the complement: UBE3A is on the minus strand). VCF-style: chr15-25375698-T-C. GRCh37 (hg19) VCF-style: chr15-25620845-T-C.
Other names: c.68A>G, p.Asn23Ser (NM_001354544.2, NM_001354547.2, NM_001354548.2 and 18 more transcripts); c.128A>G, p.Asn43Ser (NM_001354545.2, NM_001354550.2, NM_001354505.1 and 1 more transcripts); c.-50A>G (NM_001354546.2); c.137A>G, p.Asn46Ser (NM_000462.5); short protein forms N23S, N46S, N43S.
Identifiers: ClinVar variation 3393731 (VCV003393731.1).

ClinVar aggregate classification (germline): Uncertain significance (1 of 4 stars; one submission).

Submission:

GeneDx
Classification: Uncertain significance. Last evaluated: 2024-06-29. Review status: criteria provided, single submitter. Criteria: GeneDx Variant Classification Process June 2021. Collection method: clinical testing. Allele origin: germline. Affected: yes.
Comment: Not observed at significant frequency in large population cohorts (gnomAD); In silico analysis supports that this missense variant has a deleterious effect on protein structure/function; Has not been previously published as pathogenic or benign to our knowledge